The following is an entry in ClinVar:

NM_017636.4(TRPM4):c.308A>G (p.Tyr103Cys)

Gene: TRPM4 (transient receptor potential cation channel subfamily M member 4; plus strand). Cytogenetic location: 19q13.33.
Variant type: single nucleotide variant.
Coding change: c.308A>G on transcript NM_017636.4 (MANE Select); coding-DNA position 308, A replaced by G.
Protein change: p.Tyr103Cys; replaces tyrosine 103 with cysteine.
Molecular consequence: missense variant. On other transcripts: intron variant (4).
Genome position (GRCh38, 1-based): chr19:49,167,957, A>G. VCF-style: chr19-49167957-A-G. GRCh37 (hg19) VCF-style: chr19-49671214-A-G.
Other names: c.308A>G, p.Tyr103Cys (NM_001195227.2); c.-1105-303A>G (NM_001321282.2); c.268-596A>G (NM_001321281.2); c.-74-303A>G (NM_001321283.2); c.-237-596A>G (NM_001321285.2); short protein forms Y103C.
Identifiers: ClinVar variation 222851 (VCV000222851.66), dbSNP rs144781529, ClinGen allele CA354853.

ClinVar aggregate classification (germline): Conflicting classifications of pathogenicity. Review status: criteria provided, conflicting classifications (1 of 4 stars). 10 submissions from 10 submitters: Uncertain significance (2); Likely benign (7). 1 of the submissions does not count toward it. Last evaluated 2026-08-01.

Conditions:
Cardiovascular phenotype. Identifiers: MedGen CN230736.
TRPM4-related disorder. Also called: TRPM4-related disorders; TRPM4-related condition. Identifiers: MedGen CN239424.
Brugada syndrome. Also called: Sudden unexplained nocturnal death syndrome; Sudden unexpected nocturnal death syndrome; Sudden Unexplained Death Syndrome; Sudden Unexplained Nocturnal Death Syndrome (SUNDS). Identifiers: Orphanet 130, MedGen C1142166, MONDO:0015263.
Progressive familial heart block type IB (PFHB1B). Identifiers: Orphanet 871, MedGen C1970298, MONDO:0011474, OMIM 604559.

Allele frequency attached by ClinVar (database versions not stated): ESP Exome Variant Server 0.00031; gnomAD exomes 0.00031 and 0.00041; ExAC 0.00032; TOPMed 0.00034; gnomAD 0.00039 and 0.00041.
gnomAD v4.1: 647 of 1,613,650 alleles (0.04%); highest among the groups gnomAD compares: Non-Finnish European, 0.052%; 11 homozygotes.

Submissions (10):

CeGaT Center for Human Genetics Tuebingen
Classification: Likely benign. Last evaluated: 2026-08-01. Review status: criteria provided, single submitter. Criteria: CeGaT Center For Human Genetics Tuebingen Variant Classification Criteria Version 2. Collection method: clinical testing. Allele origin: germline. Affected: yes. Observed: 2 variant alleles.
Comment: TRPM4: BS1

Labcorp Genetics (formerly Invitae), Labcorp
Classification: Likely benign for Progressive familial heart block type IB. Last evaluated: 2026-01-16. Review status: criteria provided, single submitter. Criteria: Invitae Variant Classification Sherloc (09022015). Collection method: clinical testing. Allele origin: germline.

Molecular Diagnostic Laboratory for Inherited Cardiovascular Disease, Montreal Heart Institute
Classification: Likely benign. Last evaluated: 2025-04-09. Review status: criteria provided, single submitter. Criteria: ACMG Guidelines, 2015. Collection method: clinical testing. Allele origin: germline. Affected: no.
Comment: BS1; BS2; BP4; BP6

Women's Health and Genetics/Laboratory Corporation of America, LabCorp
Classification: Likely benign. Last evaluated: 2025-02-03. Review status: criteria provided, single submitter. Criteria: LabCorp Variant Classification Summary - May 2015. Collection method: clinical testing. Allele origin: germline.
Comment: Variant summary: TRPM4 c.308A>G (p.Tyr103Cys) results in a non-conservative amino acid change in the encoded protein sequence. Four of five in-silico tools predict a damaging effect of the variant on protein function. The variant allele was found at a frequency of 0.00031 in 251322 control chromosomes in the gnomAD database, including 1 homozygote. The observed variant frequency is approximately 126 fold of the estimated maximal expected allele frequency for a pathogenic variant in TRPM4 causing Progressive Familial Heart Block Type 1B phenotype (2.5e-06). To our knowledge, no occurrence of c.308A>G in individuals affected with Progressive Familial Heart Block Type 1B and no experimental evidence demonstrating its impact on protein function have been reported. ClinVar contains an entry for this variant (Variation ID: 222851). Based on the evidence outlined above, the variant was classified as likely benign.

Blueprint Genetics
Classification: Likely benign. Last evaluated: 2024-11-12. Review status: criteria provided, single submitter. Criteria: ACMG Guidelines, 2015. Collection method: clinical testing. Allele origin: germline.

Petrovsky National Research Centre of Surgery, The Federal Agency for Scientific Organizations
Classification: Uncertain significance for Brugada syndrome. Last evaluated: 2023-08-09. Review status: criteria provided, single submitter. Criteria: ACMG Guidelines, 2015. Collection method: clinical testing. Allele origin: germline. Affected: yes.
Comment: This variant is in The Genome Aggregation Database (gnomAD) v2.1.1 with total MAF 0.0003573 (Date of access 09-08-2023). This variant has been reported in 2 articles in patients with variable phenotypes (PMID: 26636822; 21887725). Most in silico predictors are inconclusive in the results. In accordance with ACMG(2015) criteria this variant is classified as Variant of Uncertain Significance (VUS) with following criteria selected: BS1

GeneDx
Classification: Likely benign. Last evaluated: 2021-05-01. Review status: criteria provided, single submitter. Criteria: GeneDx Variant Classification Process June 2021. Collection method: clinical testing. Allele origin: germline. Affected: yes.
Comment: This variant is associated with the following publications: (PMID: 27527004, 25416190, 26636822, 21887725)

Ambry Genetics
Classification: Likely benign for Cardiovascular phenotype. Last evaluated: 2020-03-06. Review status: criteria provided, single submitter. Criteria: Ambry Variant Classification Scheme 2023. Collection method: clinical testing. Allele origin: germline.

Illumina Laboratory Services, Illumina
Classification: Uncertain significance for Progressive familial heart block type IB. Last evaluated: 2017-04-28. Review status: criteria provided, single submitter. Criteria: ICSL Variant Classification Criteria 13 December 2019. Collection method: clinical testing. Allele origin: germline.
Comment: This variant was observed as part of a predisposition screen in an ostensibly healthy population. A literature search was performed for the gene, cDNA change, and amino acid change (where applicable). Publications were found based on this search. However, the evidence from the literature, in combination with allele frequency data from public databases where available, was not sufficient to rule this variant in or out of causing disease. Therefore, this variant is classified as a variant of unknown significance.

PreventionGenetics, part of Exact Sciences
Classification: Likely benign for TRPM4-related condition. Last evaluated: 2022-07-14. Review status: no assertion criteria provided. Collection method: clinical testing. Allele origin: germline. Not counted in ClinVar's aggregate classification.
Comment: This variant is classified as likely benign based on ACMG/AMP sequence variant interpretation guidelines (Richards et al. 2015 PMID: 25741868, with internal and published modifications).

Literature cited by the submitters: PubMed 26636822 (cited by Petrovsky National Research Centre of Surgery, The Federal Agency for Scientific Organizations); PubMed 21887725 (cited by 3 submitters); PubMed 25416190 (cited by Illumina Laboratory Services, Illumina).